The following is an entry in ClinVar:

NM_000179.3(MSH6):c.554A>C (p.Lys185Thr)

Gene: MSH6 (mutS homolog 6; plus strand). Cytogenetic location: 2p16.3.
Variant type: single nucleotide variant.
Coding change: c.554A>C on transcript NM_000179.3 (MANE Select); coding-DNA position 554, A replaced by C.
Protein change: p.Lys185Thr; replaces lysine 185 with threonine.
Molecular consequence: missense variant. On other transcripts: 5 prime UTR variant (2), non-coding transcript variant (5), intron variant (8).
Genome position (GRCh38, 1-based): chr2:47,795,990, A>C. VCF-style: chr2-47795990-A-C. GRCh37 (hg19) VCF-style: chr2-48023129-A-C.
Other names: c.-349A>C (NM_001281494.2); c.650A>C, p.Lys217Thr (NM_001406795.1, NM_001406802.1); c.554A>C, p.Lys185Thr (NM_001406796.1, NM_001406798.1, NM_001406800.1 and 5 more transcripts); c.257A>C, p.Lys86Thr (NM_001406797.1, NM_001406801.1, NM_001406805.1 and 10 more transcripts); c.29A>C, p.Lys10Thr (NM_001406799.1, NM_001406806.1, NM_001406807.1); c.476A>C, p.Lys159Thr (NM_001406804.1); c.560A>C, p.Lys187Thr (NM_001406813.1); c.-441A>C (NM_001406814.1); and 3 more; short protein forms K10T, K129T, K159T, K185T, K187T, K217T, K86T.
Identifiers: ClinVar variation 3252479 (VCV003252479.2), dbSNP rs2104235423.

ClinVar aggregate classification (germline): Uncertain significance. Review status: criteria provided, multiple submitters, no conflicts (2 of 4 stars). 2 submissions from 2 submitters: Uncertain significance (2). Last evaluated 2026-09-06.

Conditions:
Hereditary cancer-predisposing syndrome. Also called: Neoplastic Syndromes, Hereditary; Tumor predisposition; Hereditary Cancer Syndrome; Hereditary neoplastic syndrome. Identifiers: Orphanet 140162, MedGen C0027672, MeSH D009386, MONDO:0015356.

Submissions (2):

Ambry Genetics
Classification: Uncertain significance for Hereditary cancer-predisposing syndrome. Last evaluated: 2026-09-06. Review status: criteria provided, single submitter. Criteria: Ambry Variant Classification Scheme 2023. Collection method: clinical testing. Allele origin: germline.
Comment: The p.K185T variant (also known as c.554A>C), located in coding exon 3 of the MSH6 gene, results from an A to C substitution at nucleotide position 554. The lysine at codon 185 is replaced by threonine, an amino acid with similar properties. This amino acid position is conserved. In addition, this alteration is predicted to be tolerated by in silico analysis. Based on the available evidence, the clinical significance of this variant remains unclear.

GeneDx
Classification: Uncertain significance. Last evaluated: 2024-06-20. Review status: criteria provided, single submitter. Criteria: GeneDx Variant Classification Process June 2021. Collection method: clinical testing. Allele origin: germline. Affected: yes.
Comment: Not observed at significant frequency in large population cohorts (gnomAD); In silico analysis indicates that this missense variant does not alter protein structure/function; Has not been previously published as pathogenic or benign to our knowledge; This variant is associated with the following publications: (PMID: 22810696, 27071721, 24583393)